The following is an entry in ClinVar:

ClinVar aggregate classification (germline): Uncertain significance (1 of 4 stars; one submission).

Conditions:
Compton-North congenital myopathy (CMYO12). Identifiers: Orphanet 210163, MedGen C2675527, MONDO:0012929, OMIM 612540.

Allele frequency attached by ClinVar (database versions not stated): gnomAD exomes below 0.00001.
gnomAD v4.1: 3 of 1,584,376 alleles (0.00019%); no homozygotes.

Submission:

Labcorp Genetics (formerly Invitae), Labcorp
Classification: Uncertain significance for Compton-North congenital myopathy. Last evaluated: 2021-08-26. Review status: criteria provided, single submitter. Criteria: Invitae Variant Classification Sherloc (09022015). Collection method: clinical testing. Allele origin: germline.
Comment: In summary, the available evidence is currently insufficient to determine the role of this variant in disease. Therefore, it has been classified as a Variant of Uncertain Significance. Algorithms developed to predict the effect of sequence changes on RNA splicing suggest that this variant may create or strengthen a splice site. Advanced modeling of protein sequence and biophysical properties (such as structural, functional, and spatial information, amino acid conservation, physicochemical variation, residue mobility, and thermodynamic stability) performed at Invitae indicates that this missense variant is not expected to disrupt CNTN1 protein function. This variant has not been reported in the literature in individuals affected with CNTN1-related conditions. This variant is not present in population databases (ExAC no frequency). This sequence change replaces glycine with valine at codon 939 of the CNTN1 protein (p.Gly939Val). The glycine residue is highly conserved and there is a moderate physicochemical difference between glycine and valine.

NM_001843.4(CNTN1):c.2816G>T (p.Gly939Val)

Gene: CNTN1 (contactin 1; plus strand). Cytogenetic location: 12q12.
Variant type: single nucleotide variant.
Coding change: c.2816G>T on transcript NM_001843.4 (MANE Select); coding-DNA position 2816, G replaced by T.
Protein change: p.Gly939Val; replaces glycine 939 with valine.
Molecular consequence: missense variant.
Genome position (GRCh38, 1-based): chr12:41,027,962, G>T. VCF-style: chr12-41027962-G-T. GRCh37 (hg19) VCF-style: chr12-41421764-G-T.
Other names: c.2783G>T, p.Gly928Val (NM_175038.2); short protein forms G928V, G939V.
Identifiers: ClinVar variation 1377715 (VCV001377715.6), dbSNP rs1248588484, ClinGen allele CA384588028.